The following is an entry in ClinVar:

NM_006947.4(SRP72):c.382T>C (p.Cys128Arg)

Gene: SRP72 (signal recognition particle 72; plus strand). Cytogenetic location: 4q12.
Variant type: single nucleotide variant.
Coding change: c.382T>C on transcript NM_006947.4 (MANE Select); coding-DNA position 382, T replaced by C.
Protein change: p.Cys128Arg; replaces cysteine 128 with arginine.
Molecular consequence: missense variant. On other transcripts: non-coding transcript variant (1).
Genome position (GRCh38, 1-based): chr4:56,474,081, T>C. VCF-style: chr4-56474081-T-C. GRCh37 (hg19) VCF-style: chr4-57340247-T-C.
Other names: c.382T>C, p.Cys128Arg (NM_001267722.2); short protein forms C128R.
Identifiers: ClinVar variation 4589615 (VCV004589615.1).

ClinVar aggregate classification (germline): Uncertain significance (1 of 4 stars; one submission).

Submission:

Ambry Genetics
Classification: Uncertain significance. Last evaluated: 2025-11-02. Review status: criteria provided, single submitter. Criteria: Ambry Variant Classification Scheme 2023. Collection method: clinical testing. Allele origin: germline.
Comment: The p.C128R variant (also known as c.382T>C), located in coding exon 4 of the SRP72 gene, results from a T to C substitution at nucleotide position 382. The cysteine at codon 128 is replaced by arginine, an amino acid with highly dissimilar properties. This amino acid position is conserved. In addition, this alteration is predicted to be deleterious by in silico analysis. Based on the available evidence, the clinical significance of this variant remains unclear.